The following is an entry in ClinVar:

ClinVar aggregate classification (germline): Uncertain significance (1 of 4 stars; one submission).

Conditions:
Ataxia-telangiectasia syndrome (AT). Also called: Cerebello-oculocutaneous telangiectasia; Immunodeficiency with ataxia telangiectasia; Ataxia-telangiectasia, complementation group D; AT, COMPLEMENTATION GROUP C; Ataxia-telangiectasia, complementation group E; LOUIS-BAR SYNDROME. Identifiers: Orphanet 100, MedGen C0004135, MONDO:0008840, OMIM 208900.

Submission:

Labcorp Genetics (formerly Invitae), Labcorp
Classification: Uncertain significance for Ataxia-telangiectasia syndrome. Last evaluated: 2025-01-22. Review status: criteria provided, single submitter. Criteria: Invitae Variant Classification Sherloc (09022015). Collection method: clinical testing. Allele origin: germline.
Comment: This sequence change replaces phenylalanine, which is neutral and non-polar, with leucine, which is neutral and non-polar, at codon 645 of the ATM protein (p.Phe645Leu). This variant is not present in population databases (gnomAD no frequency). This variant has not been reported in the literature in individuals affected with ATM-related conditions. ClinVar contains an entry for this variant (Variation ID: 453394). Invitae Evidence Modeling of protein sequence and biophysical properties (such as structural, functional, and spatial information, amino acid conservation, physicochemical variation, residue mobility, and thermodynamic stability) indicates that this missense variant is not expected to disrupt ATM protein function with a negative predictive value of 95%. In summary, the available evidence is currently insufficient to determine the role of this variant in disease. Therefore, it has been classified as a Variant of Uncertain Significance.

NM_000051.4(ATM):c.1935C>G (p.Phe645Leu)

Gene: ATM (ATM serine/threonine kinase; plus strand). Cytogenetic location: 11q22.3.
Variant type: single nucleotide variant.
Coding change: c.1935C>G on transcript NM_000051.4 (MANE Select); coding-DNA position 1935, C replaced by G.
Protein change: p.Phe645Leu; replaces phenylalanine 645 with leucine.
Molecular consequence: missense variant.
Genome position (GRCh38, 1-based): chr11:108,253,850, C>G. VCF-style: chr11-108253850-C-G. GRCh37 (hg19) VCF-style: chr11-108124577-C-G.
Other names: c.1935C>G, p.Phe645Leu (NM_001351834.2); short protein forms F645L.
Identifiers: ClinVar variation 453394 (VCV000453394.8), dbSNP rs876659709, ClinGen allele CA382536573.